The following is an entry in ClinVar:

ClinVar aggregate classification (germline): Benign/Likely benign. Review status: criteria provided, multiple submitters, no conflicts (2 of 4 stars). 3 submissions from 3 submitters: Benign (1); Likely benign (2). Last evaluated 2025-11-08.

Conditions:
Hereditary cancer-predisposing syndrome. Also called: Neoplastic Syndromes, Hereditary; Tumor predisposition; Hereditary Cancer Syndrome; Hereditary neoplastic syndrome. Identifiers: Orphanet 140162, MedGen C0027672, MeSH D009386, MONDO:0015356.
Retinoblastoma (RB1). Also called: RETINOBLASTOMA, SOMATIC. Identifiers: Orphanet 790, MedGen C0035335, MeSH D012175, MONDO:0008380, OMIM 180200, HP:0009919. Disease mechanism: loss of function. Inheritance: Both sporadic and heritable forms are tested..

Allele frequency attached by ClinVar (database versions not stated): gnomAD exomes below 0.00001 and 0.00001; ExAC 0.00004.
gnomAD v4.1: 1 of 1,382,460 alleles (0.000072%); highest among the groups gnomAD compares: African/African-American, 0.0015%; no homozygotes.

Submissions (3):

Labcorp Genetics (formerly Invitae), Labcorp
Classification: Likely benign for Retinoblastoma. Last evaluated: 2025-11-08. Review status: criteria provided, single submitter. Criteria: Invitae Variant Classification Sherloc (09022015). Collection method: clinical testing. Allele origin: germline.

All of Us Research Program, National Institutes of Health
Classification: Likely benign for Retinoblastoma. Last evaluated: 2024-07-20. Review status: criteria provided, single submitter. Criteria: ACMG Guidelines, 2015. Collection method: clinical testing. Allele origin: germline. Inheritance: Autosomal dominant inheritance. Observed: 3 variant alleles, 3 heterozygotes.
Comment: This study involves interpretation of variants in research participants for the purpose of population health screening. Participant phenotype was not available at the time of variant classification. Additional details can be found in publication PMID: 35346344, PMCID: PMC8962531

Ambry Genetics
Classification: Benign for Hereditary cancer-predisposing syndrome. Last evaluated: 2023-11-28. Review status: criteria provided, single submitter. Criteria: Ambry Variant Classification Scheme 2023. Collection method: clinical testing. Allele origin: germline.

NM_000321.3(RB1):c.1408A>C (p.Ile470Leu)

Gene: RB1 (RB transcriptional corepressor 1; plus strand). Cytogenetic location: 13q14.2.
Variant type: single nucleotide variant.
Coding change: c.1408A>C on transcript NM_000321.3 (MANE Select); coding-DNA position 1408, A replaced by C.
Protein change: p.Ile470Leu; replaces isoleucine 470 with leucine.
Molecular consequence: missense variant.
Genome position (GRCh38, 1-based): chr13:48,380,071, A>C. VCF-style: chr13-48380071-A-C. GRCh37 (hg19) VCF-style: chr13-48954207-A-C.
Other names: short protein forms I470L.
Identifiers: ClinVar variation 652509 (VCV000652509.13), dbSNP rs139960834, ClinGen allele CA028629.